The following is an entry in ClinVar:

ClinVar aggregate classification (germline): Uncertain significance (0 of 4 stars; one submission).

Conditions:
CPE-related disorder. Also called: CPE-related condition.

Allele frequency attached by ClinVar (database versions not stated): ExAC 0.00001; gnomAD exomes 0.00001; TOPMed 0.00001; ESP Exome Variant Server 0.00008.
gnomAD v4.1: 12 of 1,614,122 alleles (0.00074%); highest among the groups gnomAD compares: East Asian, 0.0045%; no homozygotes.

Submission:

PreventionGenetics, part of Exact Sciences
Classification: Uncertain significance for CPE-related condition. Last evaluated: 2024-04-17. Review status: no assertion criteria provided. Collection method: clinical testing. Allele origin: germline.
Comment: The CPE c.901C>T variant is predicted to result in the amino acid substitution p.Arg301Cys. To our knowledge, this variant has not been reported in the literature. This variant is reported in 0.0040% of alleles in individuals of African descent in gnomAD. At this time, the clinical significance of this variant is uncertain due to the absence of conclusive functional and genetic evidence.

NM_001873.4(CPE):c.901C>T (p.Arg301Cys)

Gene: CPE (carboxypeptidase E; plus strand). Cytogenetic location: 4q32.3.
Variant type: single nucleotide variant.
Coding change: c.901C>T on transcript NM_001873.4 (MANE Select); coding-DNA position 901, C replaced by T.
Protein change: p.Arg301Cys; replaces arginine 301 with cysteine.
Molecular consequence: missense variant.
Genome position (GRCh38, 1-based): chr4:165,484,532, C>T. VCF-style: chr4-165484532-C-T. GRCh37 (hg19) VCF-style: chr4-166405684-C-T.
Other names: short protein forms R301C.
Identifiers: ClinVar variation 2631037 (VCV002631037.2), dbSNP rs138641684, ClinGen allele CA3130314.
Genomic context (GRCh38, chr4:165,484,532, plus strand): 5'-TTGGCCCGGGCATACTCTTCTTTCAACCCGGCCATGTCTGACCCCAATCGGCCACCATGT[C>T]GCAAGAATGATGATGACAGCAGCTTTGTAGATGGAACCACCAACGGTGGTGCTTGGTACA-3'
Protein context (NP_001864.1, residues 291-311): AMSDPNRPPC[Arg301Cys]KNDDDSSFVD